The following is an entry in ClinVar:

NM_001363118.2(SLC52A2):c.824G>T (p.Arg275Leu)

Gene: SLC52A2 (solute carrier family 52 member 2; plus strand). Cytogenetic location: 8q24.3.
Variant type: single nucleotide variant.
Coding change: c.824G>T on transcript NM_001363118.2 (MANE Select); coding-DNA position 824, G replaced by T.
Protein change: p.Arg275Leu; replaces arginine 275 with leucine.
Molecular consequence: missense variant. On other transcripts: non-coding transcript variant (1).
Genome position (GRCh38, 1-based): chr8:144,360,316, G>T. VCF-style: chr8-144360316-G-T. GRCh37 (hg19) VCF-style: chr8-145583976-G-T.
Other names: c.824G>T, p.Arg275Leu (NM_001253815.2, NM_001253816.2, NM_001363120.2 and 2 more transcripts); c.332G>T, p.Arg111Leu (NM_001363122.2); short protein forms R275L, R111L.
Identifiers: ClinVar variation 540433 (VCV000540433.7), dbSNP rs144912258, ClinGen allele CA4938286.

ClinVar aggregate classification (germline): Uncertain significance. Review status: criteria provided, multiple submitters, no conflicts (2 of 4 stars). 3 submissions from 3 submitters: Uncertain significance (3). Last evaluated 2024-06-10.

Conditions:
Inborn genetic diseases. Identifiers: MedGen C0950123, MeSH D030342.
Brown-Vialetto-van Laere syndrome 2. Also called: Riboflavin transporter deficiency type 2; SPINOCEREBELLAR ATAXIA WITH BLINDNESS AND DEAFNESS 2. Identifiers: Orphanet 572543, Orphanet 97229, MedGen C3553538, MONDO:0013867, OMIM 614707.

Allele frequency attached by ClinVar (database versions not stated): TOPMed 0.00013.
gnomAD v4.1: 59 of 1,609,944 alleles (0.0037%); highest among the groups gnomAD compares: African/African-American, 0.051%; 1 homozygote.

Submissions (3):

Ambry Genetics
Classification: Uncertain significance for Inborn genetic diseases. Last evaluated: 2024-06-10. Review status: criteria provided, single submitter. Criteria: Ambry Variant Classification Scheme 2023. Collection method: clinical testing. Allele origin: germline.

Labcorp Genetics (formerly Invitae), Labcorp
Classification: Uncertain significance for Brown-Vialetto-van Laere syndrome 2. Last evaluated: 2022-08-17. Review status: criteria provided, single submitter. Criteria: Invitae Variant Classification Sherloc (09022015). Collection method: clinical testing. Allele origin: germline.
Comment: This sequence change replaces arginine, which is basic and polar, with leucine, which is neutral and non-polar, at codon 275 of the SLC52A2 protein (p.Arg275Leu). This variant is present in population databases (rs144912258, gnomAD 0.05%). This variant has not been reported in the literature in individuals affected with SLC52A2-related conditions. ClinVar contains an entry for this variant (Variation ID: 540433). Advanced modeling of protein sequence and biophysical properties (such as structural, functional, and spatial information, amino acid conservation, physicochemical variation, residue mobility, and thermodynamic stability) performed at Invitae indicates that this missense variant is not expected to disrupt SLC52A2 protein function. In summary, the available evidence is currently insufficient to determine the role of this variant in disease. Therefore, it has been classified as a Variant of Uncertain Significance.

GeneDx
Classification: Uncertain significance. Last evaluated: 2021-12-06. Review status: criteria provided, single submitter. Criteria: GeneDx Variant Classification Process June 2021. Collection method: clinical testing. Allele origin: germline. Affected: yes.
Comment: Reported previously in the heterozygous state a patient with flat feet, absent reflexes, burning foot pain and aching leg pain; however, patient was also heterozygous for a variant in the PMP22 gene that was thought to be the cause for symptoms (Ho and Jerath, 2018); In silico analysis supports that this missense variant has a deleterious effect on protein structure/function; This variant is associated with the following publications: (PMID: 34662687, 30675404)